The following is an entry in ClinVar:

ClinVar aggregate classification (germline): Uncertain significance (1 of 4 stars; one submission).

Conditions:
Isolated microphthalmia 5. Also called: Posterior Microphthalmia with Retinitis Pigmentosa, Foveoschisis, and Optic Disc Drusen. Identifiers: Orphanet 251279, MedGen C1970236, MONDO:0012605, OMIM 611040.

Submission:

Labcorp Genetics (formerly Invitae), Labcorp
Classification: Uncertain significance for Isolated microphthalmia 5. Last evaluated: 2022-03-26. Review status: criteria provided, single submitter. Criteria: Invitae Variant Classification Sherloc (09022015). Collection method: clinical testing. Allele origin: germline.
Comment: In summary, the available evidence is currently insufficient to determine the role of this variant in disease. Therefore, it has been classified as a Variant of Uncertain Significance. Algorithms developed to predict the effect of missense changes on protein structure and function (SIFT, PolyPhen-2, Align-GVGD) all suggest that this variant is likely to be tolerated. This variant has not been reported in the literature in individuals affected with MFRP-related conditions. This variant is not present in population databases (gnomAD no frequency). This sequence change replaces glutamine, which is neutral and polar, with arginine, which is basic and polar, at codon 320 of the MFRP protein (p.Gln320Arg).

NM_031433.4(MFRP):c.959A>G (p.Gln320Arg)

Genes: C1QTNF5 (C1q and TNF related 5; minus strand), MFRP (membrane frizzled-related protein; minus strand). Cytogenetic location: 11q23.3.
Variant type: single nucleotide variant.
Coding change: c.959A>G on transcript NM_031433.4 (MANE Select); coding-DNA position 959, A replaced by G.
Protein change: p.Gln320Arg; replaces glutamine 320 with arginine.
Molecular consequence: missense variant. On other transcripts: 5 prime UTR variant (1).
Genome position (GRCh38, 1-based): chr11:119,344,331, T>C on the plus strand (A>G on the coding strand, the complement: MFRP is on the minus strand). VCF-style: chr11-119344331-T-C. GRCh37 (hg19) VCF-style: chr11-119215041-T-C.
Other names: c.-1678A>G (NM_015645.5); short protein forms Q320R.
Identifiers: ClinVar variation 1938245 (VCV001938245.4), dbSNP rs1314620034, ClinGen allele CA382975969.